The following is an entry in ClinVar:

ClinVar aggregate classification (germline): Likely benign (0 of 4 stars; one submission).

Conditions:
SDK2-related disorder. Also called: SDK2-related condition.

Allele frequency attached by ClinVar (database versions not stated): gnomAD 0.00010; gnomAD exomes 0.00010; TOPMed 0.00012; ExAC 0.00018; ESP Exome Variant Server 0.00023.
gnomAD v4.1: 185 of 1,613,866 alleles (0.011%); highest among the groups gnomAD compares: Middle Eastern, 0.016%; no homozygotes.

Submission:

PreventionGenetics, part of Exact Sciences
Classification: Likely benign for SDK2-related condition. Last evaluated: 2022-04-01. Review status: no assertion criteria provided. Collection method: clinical testing. Allele origin: germline.
Comment: This variant is classified as likely benign based on ACMG/AMP sequence variant interpretation guidelines (Richards et al. 2015 PMID: 25741868, with internal and published modifications).

NM_001144952.2(SDK2):c.3176C>T (p.Pro1059Leu)

Gene: SDK2 (sidekick cell adhesion molecule 2; minus strand). Cytogenetic location: 17q25.1.
Variant type: single nucleotide variant.
Coding change: c.3176C>T on transcript NM_001144952.2 (MANE Select); coding-DNA position 3176, C replaced by T.
Protein change: p.Pro1059Leu; replaces proline 1059 with leucine.
Molecular consequence: missense variant.
Genome position (GRCh38, 1-based): chr17:73,398,347, G>A on the plus strand (C>T on the coding strand, the complement: SDK2 is on the minus strand). VCF-style: chr17-73398347-G-A. GRCh37 (hg19) VCF-style: chr17-71394486-G-A.
Other names: short protein forms P1059L.
Identifiers: ClinVar variation 3046600 (VCV003046600.2), dbSNP rs141892877, ClinGen allele CA8743229.